The following is an entry in ClinVar:

ClinVar aggregate classification (germline): Conflicting classifications of pathogenicity. Review status: criteria provided, conflicting classifications (1 of 4 stars). 4 submissions from 4 submitters: Uncertain significance (1); Likely benign (2). 1 of the submissions does not count toward it. Last evaluated 2026-01-19.

Conditions:
Congenital hyperammonemia, type I. Also called: Carbamoyl phosphate synthetase 1 deficiency; Hyperammonemia due to carbamoyl phosphate synthetase 1 deficiency; CPS 1 deficiency; Carbamyl phosphate synthetase (CPS) deficiency; Carbamoyl phosphate synthetase I deficiency disease; Carbamoyl-phosphate synthase I deficiency. Identifiers: Orphanet 147, MedGen C4082171, MONDO:0009376, OMIM 237300.

Allele frequency attached by ClinVar (database versions not stated): gnomAD 0.00005; TOPMed 0.00006; gnomAD exomes 0.00011; ExAC 0.00014.
gnomAD v4.1: 71 of 1,612,204 alleles (0.0044%); highest among the groups gnomAD compares: South Asian, 0.025%; 1 homozygote.

Submissions (4):

Labcorp Genetics (formerly Invitae), Labcorp
Classification: Likely benign for Congenital hyperammonemia, type I. Last evaluated: 2026-01-19. Review status: criteria provided, single submitter. Criteria: Invitae Variant Classification Sherloc (09022015). Collection method: clinical testing. Allele origin: germline.

GeneDx
Classification: Likely benign. Last evaluated: 2018-05-23. Review status: criteria provided, single submitter. Criteria: GeneDx Variant Classification (06012015). Collection method: clinical testing. Allele origin: germline. Affected: yes.
Comment: This variant is considered likely benign or benign based on one or more of the following criteria: it is a conservative change, it occurs at a poorly conserved position in the protein, it is predicted to be benign by multiple in silico algorithms, and/or has population frequency not consistent with disease.

CeGaT Center for Human Genetics Tuebingen
Classification: Uncertain significance. Last evaluated: 2016-06-01. Review status: criteria provided, single submitter. Criteria: CeGaT Center For Human Genetics Tuebingen Variant Classification Criteria Version 2. Collection method: clinical testing. Allele origin: germline. Affected: yes. Observed: 1 variant allele.

Natera, Inc.
Classification: Likely benign for Carbamoyl-phosphate synthase I deficiency. Last evaluated: 2020-09-16. Review status: no assertion criteria provided. Collection method: clinical testing. Allele origin: germline. Not counted in ClinVar's aggregate classification.

NM_001875.5(CPS1):c.1632G>A (p.Thr544=)

Gene: CPS1 (carbamoyl-phosphate synthase 1; plus strand). Cytogenetic location: 2q34.
Variant type: single nucleotide variant.
Coding change: c.1632G>A on transcript NM_001875.5 (MANE Select); coding-DNA position 1632, G replaced by A.
Protein change: p.Thr544=; no amino-acid change (threonine 544 retained).
Molecular consequence: synonymous variant. On other transcripts: non-coding transcript variant (2).
Genome position (GRCh38, 1-based): chr2:210,600,637, G>A. VCF-style: chr2-210600637-G-A. GRCh37 (hg19) VCF-style: chr2-211465361-G-A.
Other names: c.1632G>A, p.Thr544= (NM_001122633.3, NM_001369257.1); c.1665G>A, p.Thr555= (NM_001369256.1).
Identifiers: ClinVar variation 668329 (VCV000668329.54), dbSNP rs755530984, ClinGen allele CA2086413.